The following is an entry in ClinVar:

ClinVar aggregate classification (germline): Uncertain significance. Review status: criteria provided, multiple submitters, no conflicts (2 of 4 stars). 2 submissions from 2 submitters: Uncertain significance (2). Last evaluated 2024-05-08.

Conditions:
Dilated cardiomyopathy 1W (CMD1W). Identifiers: Orphanet 154, MedGen C1969639, MONDO:0012667, OMIM 611407.
Hypertrophic cardiomyopathy 15. Identifiers: MedGen C2750459, MONDO:0013200, OMIM 613255.

Allele frequency attached by ClinVar (database versions not stated): gnomAD exomes 0.00001 and 0.00002; ExAC 0.00002.
gnomAD v4.1: 11 of 1,614,188 alleles (0.00068%); highest among the groups gnomAD compares: Admixed American, 0.005%; no homozygotes.

Submissions (2):

Labcorp Genetics (formerly Invitae), Labcorp
Classification: Uncertain significance for Dilated cardiomyopathy 1W. Last evaluated: 2024-05-08. Review status: criteria provided, single submitter. Criteria: Invitae Variant Classification Sherloc (09022015). Collection method: clinical testing. Allele origin: germline.
Comment: This sequence change replaces alanine, which is neutral and non-polar, with glycine, which is neutral and non-polar, at codon 269 of the VCL protein (p.Ala269Gly). This variant is present in population databases (rs762710405, gnomAD 0.009%). This variant has not been reported in the literature in individuals affected with VCL-related conditions. ClinVar contains an entry for this variant (Variation ID: 1372600). An algorithm developed to predict the effect of missense changes on protein structure and function (PolyPhen-2) suggests that this variant is likely to be tolerated. In summary, the available evidence is currently insufficient to determine the role of this variant in disease. Therefore, it has been classified as a Variant of Uncertain Significance.

Fulgent Genetics
Classification: Uncertain significance for Dilated cardiomyopathy 1W; Hypertrophic cardiomyopathy 15. Last evaluated: 2021-09-03. Review status: criteria provided, single submitter. Criteria: ACMG Guidelines, 2015. Collection method: clinical testing. Allele origin: unknown.

NM_014000.3(VCL):c.806C>G (p.Ala269Gly)

Gene: VCL (vinculin; plus strand). Cytogenetic location: 10q22.2.
Variant type: single nucleotide variant.
Coding change: c.806C>G on transcript NM_014000.3 (MANE Select); coding-DNA position 806, C replaced by G.
Protein change: p.Ala269Gly; replaces alanine 269 with glycine.
Molecular consequence: missense variant.
Genome position (GRCh38, 1-based): chr10:74,082,476, C>G. VCF-style: chr10-74082476-C-G. GRCh37 (hg19) VCF-style: chr10-75842234-C-G.
Other names: c.806C>G, p.Ala269Gly (NM_003373.4); short protein forms A269G.
Identifiers: ClinVar variation 1372600 (VCV001372600.7), dbSNP rs762710405, ClinGen allele CA5562865.